The following is an entry in ClinVar:

ClinVar aggregate classification (germline): Uncertain significance (1 of 4 stars; one submission).

Submission:

Labcorp Genetics (formerly Invitae), Labcorp
Classification: Uncertain significance. Last evaluated: 2022-08-22. Review status: criteria provided, single submitter. Criteria: Invitae Variant Classification Sherloc (09022015). Collection method: clinical testing. Allele origin: germline.
Comment: This variant is present in population databases (rs765879230, gnomAD 0.005%). This variant, c.764_766del, results in the deletion of 1 amino acid(s) of the OBSL1 protein (p.Phe255del), but otherwise preserves the integrity of the reading frame. This variant has not been reported in the literature in individuals affected with OBSL1-related conditions. In summary, the available evidence is currently insufficient to determine the role of this variant in disease. Therefore, it has been classified as a Variant of Uncertain Significance. Experimental studies and prediction algorithms are not available or were not evaluated, and the functional significance of this variant is currently unknown. ClinVar contains an entry for this variant (Variation ID: 1450713).

NM_015311.3(OBSL1):c.764_766del (p.Phe255del)

Gene: OBSL1 (obscurin like cytoskeletal adaptor 1; minus strand). Cytogenetic location: 2q35.
Variant type: Deletion.
Coding change: c.764_766del on transcript NM_015311.3 (MANE Select); coding-DNA positions 764 to 766, 3 bases deleted (TCT; older notation c.764_766delTCT).
Protein change: p.Phe255del; deletes phenylalanine 255.
Molecular consequence: inframe deletion.
Genome position (GRCh38, 1-based): chr2:219,570,467-219,570,469, AGA deleted on the plus strand (TCT on the coding strand, the reverse complement: OBSL1 is on the minus strand); deleting any 3 consecutive bases within chr2:219,570,467-219,570,471 gives the same sequence; the c. name uses the placement nearest the transcript's 3' end. VCF-style (leftmost placement, unchanged base first): chr2-219570466-CAGA-C. GRCh37 (hg19) VCF-style: chr2-220435188-CAGA-C.
Other names: c.764_766del, p.Phe255del (NM_001173408.2, NM_001173431.2); short protein forms F255del.
Identifiers: ClinVar variation 1450713 (VCV001450713.8), dbSNP rs765879230, ClinGen allele CA2131735.